The following is an entry in ClinVar:

ClinVar aggregate classification (germline): Conflicting classifications of pathogenicity. Review status: criteria provided, conflicting classifications (1 of 4 stars). 3 submissions from 3 submitters: Uncertain significance (1); Benign (1). 1 of the submissions does not count toward it. Last evaluated 2025-08-04.

Conditions:
Kabuki syndrome 1 (KABUK1). Also called: KMT2D-Related Kabuki Syndrome. Identifiers: Orphanet 2322, MedGen CN030661, MONDO:0007843, OMIM 147920.
Choanal atresia-athelia-hypothyroidism-delayed puberty-short stature syndrome (BCAHH). Also called: BRANCHIAL ARCH ABNORMALITIES, CHOANAL ATRESIA, ATHELIA, HEARING LOSS, AND HYPOTHYROIDISM SYNDROME. Identifiers: Orphanet 589856, MedGen C5680310, MONDO:0035651, OMIM 620186.
KMT2D-related disorder. Also called: KMT2D-Related Disorders.
Kabuki syndrome. Also called: NIIKAWA-KUROKI SYNDROME; Kabuki make-up syndrome. Identifiers: Orphanet 2322, MedGen C0796004, MONDO:0016512.

Allele frequency attached by ClinVar (database versions not stated): TOPMed 0.00001; gnomAD exomes 0.00002.
gnomAD v4.1: 14 of 1,613,986 alleles (0.00087%); highest among the groups gnomAD compares: South Asian, 0.0044%; no homozygotes.

Submissions (3):

Labcorp Genetics (formerly Invitae), Labcorp
Classification: Benign for Kabuki syndrome. Last evaluated: 2025-08-04. Review status: criteria provided, single submitter. Criteria: Invitae Variant Classification Sherloc (09022015). Collection method: clinical testing. Allele origin: germline.

Fulgent Genetics
Classification: Uncertain significance for Kabuki syndrome 1; Choanal atresia-athelia-hypothyroidism-delayed puberty-short stature syndrome. Last evaluated: 2024-03-17. Review status: criteria provided, single submitter. Criteria: ACMG Guidelines, 2015. Collection method: clinical testing. Allele origin: germline.

PreventionGenetics, part of Exact Sciences
Classification: Uncertain significance for KMT2D-related condition. Last evaluated: 2024-08-14. Review status: no assertion criteria provided. Collection method: clinical testing. Allele origin: germline. Not counted in ClinVar's aggregate classification.
Comment: The KMT2D c.5594C>T variant is predicted to result in the amino acid substitution p.Thr1865Ile. To our knowledge, this variant has not been reported in the literature. This variant is reported in 0.0058% of alleles in individuals of Latino descent in gnomAD. At this time, the clinical significance of this variant is uncertain due to the absence of conclusive functional and genetic evidence.

NM_003482.4(KMT2D):c.5594C>T (p.Thr1865Ile)

Gene: KMT2D (lysine methyltransferase 2D; minus strand). Cytogenetic location: 12q13.12.
Variant type: single nucleotide variant.
Coding change: c.5594C>T on transcript NM_003482.4 (MANE Select); coding-DNA position 5594, C replaced by T.
Protein change: p.Thr1865Ile; replaces threonine 1865 with isoleucine.
Molecular consequence: missense variant.
Genome position (GRCh38, 1-based): chr12:49,043,126, G>A on the plus strand (C>T on the coding strand, the complement: KMT2D is on the minus strand). VCF-style: chr12-49043126-G-A. GRCh37 (hg19) VCF-style: chr12-49436909-G-A.
Other names: short protein forms T1865I.
Identifiers: ClinVar variation 2199308 (VCV002199308.6), dbSNP rs886049481, ClinGen allele CA10642425.